The following is an entry in ClinVar:

NM_032387.5(WNK4):c.3490T>C (p.Tyr1164His)

Gene: WNK4 (WNK lysine deficient protein kinase 4; plus strand). Cytogenetic location: 17q21.2.
Variant type: single nucleotide variant.
Coding change: c.3490T>C on transcript NM_032387.5 (MANE Select); coding-DNA position 3490, T replaced by C.
Protein change: p.Tyr1164His; replaces tyrosine 1164 with histidine.
Molecular consequence: missense variant.
Genome position (GRCh38, 1-based): chr17:42,796,181, T>C. VCF-style: chr17-42796181-T-C. GRCh37 (hg19) VCF-style: chr17-40948199-T-C.
Other names: c.2482T>C, p.Tyr828His (NM_001321299.2); short protein forms Y1164H, Y828H.
Identifiers: ClinVar variation 2996350 (VCV002996350.4), dbSNP rs141257205, ClinGen allele CA8584611.
Genomic context (GRCh38, chr17:42,796,181, plus strand): 5'-AGGCACTTGTCAGAGGTGGAAACACTACAGACACTACAGAAAAAAGAAATTGAAGATTTG[T>C]ACAGCCGGCTGGGGAAGCAGCCCCCACCGGGTATTGTGGCCCCAGCTGCTATGCTGTCCA-3'
Protein context (NP_115763.2, residues 1154-1174): TLQKKEIEDL[Tyr1164His]SRLGKQPPPG

ClinVar aggregate classification (germline): Uncertain significance. Review status: criteria provided, multiple submitters, no conflicts (2 of 4 stars). 2 submissions from 2 submitters: Uncertain significance (2). Last evaluated 2024-03-01.

Conditions:
Pseudohypoaldosteronism type 2B (PHA2B). Also called: Pseudohypoaldosteronism Type IIB. Identifiers: Orphanet 757, Orphanet 88939, MedGen C1840390, MONDO:0013777, OMIM 614491.

Allele frequency attached by ClinVar (database versions not stated): gnomAD exomes below 0.00001; gnomAD 0.00001; ExAC 0.00002; TOPMed 0.00002; ESP Exome Variant Server 0.00008.
gnomAD v4.1: 8 of 1,613,948 alleles (0.0005%); highest among the groups gnomAD compares: African/African-American, 0.011%; no homozygotes.

Submissions (2):

Fulgent Genetics
Classification: Uncertain significance for Pseudohypoaldosteronism type 2B. Last evaluated: 2024-03-01. Review status: criteria provided, single submitter. Criteria: ACMG Guidelines, 2015. Collection method: clinical testing. Allele origin: germline.

Labcorp Genetics (formerly Invitae), Labcorp
Classification: Uncertain significance. Last evaluated: 2022-11-28. Review status: criteria provided, single submitter. Criteria: Invitae Variant Classification Sherloc (09022015). Collection method: clinical testing. Allele origin: germline.
Comment: In summary, the available evidence is currently insufficient to determine the role of this variant in disease. Therefore, it has been classified as a Variant of Uncertain Significance. Advanced modeling of protein sequence and biophysical properties (such as structural, functional, and spatial information, amino acid conservation, physicochemical variation, residue mobility, and thermodynamic stability) performed at Invitae indicates that this missense variant is not expected to disrupt WNK4 protein function. This variant has not been reported in the literature in individuals affected with WNK4-related conditions. This variant is present in population databases (rs141257205, gnomAD 0.01%). This sequence change replaces tyrosine, which is neutral and polar, with histidine, which is basic and polar, at codon 1164 of the WNK4 protein (p.Tyr1164His).